The following is an entry in ClinVar:

ClinVar aggregate classification (germline): Benign (1 of 4 stars; one submission).

Conditions:
Familial cancer of breast. Also called: BREAST CANCER, FAMILIAL; Hereditary breast cancer; hereditary breast carcinoma. Identifiers: Orphanet 227535, MedGen C0346153, MONDO:0016419, OMIM 114480. Disease mechanism: loss of function.

Submission:

Myriad Genetics, Inc.
Classification: Benign for Familial cancer of breast. Last evaluated: 2024-05-15. Review status: criteria provided, single submitter. Criteria: Myriad Autosomal Dominant, Autosomal Recessive and X-Linked Classification Criteria (2023). Collection method: clinical testing. Allele origin: unknown.
Comment: This variant is considered benign. This variant is a silent/synonymous amino acid change and it is not expected to impact splicing.

NM_000051.4(ATM):c.3636T>G (p.Ser1212=)

Gene: ATM (ATM serine/threonine kinase; plus strand). Cytogenetic location: 11q22.3.
Variant type: single nucleotide variant.
Coding change: c.3636T>G on transcript NM_000051.4 (MANE Select); coding-DNA position 3636, T replaced by G.
Protein change: p.Ser1212=; no amino-acid change (serine 1212 retained).
Molecular consequence: synonymous variant.
Genome position (GRCh38, 1-based): chr11:108,282,769, T>G. VCF-style: chr11-108282769-T-G. GRCh37 (hg19) VCF-style: chr11-108153496-T-G.
Other names: c.3636T>G, p.Ser1212= (NM_001351834.2).
Identifiers: ClinVar variation 3253897 (VCV003253897.1), dbSNP rs2135688431.
Genomic context (GRCh38, chr11:108,282,769, plus strand): 5'-GGTTTTAGAGAAAGTTTCTGAAACTTTTGGATATAGACGTTTAGAAGACTTTATGGCATC[T>G]CATTTAGATTATCTGGTTTTGGAATGGCTAAATCTTCAAGATACTGAATACAACTTATCT-3'
Protein context (NP_000042.3, residues 1202-1222): GYRRLEDFMA[Ser1212=]HLDYLVLEWL